The following is an entry in ClinVar:

ClinVar aggregate classification (germline): Likely pathogenic. Review status: criteria provided, multiple submitters, no conflicts (2 of 4 stars). 3 submissions from 3 submitters: Likely pathogenic (3). Last evaluated 2023-10-13.

Conditions:
Cobalamin C disease. Also called: Methylmalonic aciduria with homocystinuria cblC type; Cobalamin-C methylmalonic acidemia and homocystinuria; Methylmalonic acidemia and homocystinuria cblC type; methylmalonic aciduria and homocystinuria type cblC; Methylmalonic aciduria and homocystinuria, Vitamin B12-responsive; Vitamin B12 metabolic defect with combined deficiency of methylmalonyl-CoA mutase and homocysteine:methyltetrahydrofolate methyltransferase. Identifiers: Orphanet 26, Orphanet 79282, MedGen C1848561, MONDO:0010184, OMIM 277400.
Methylmalonic aciduria and homocystinuria type cblD (MAHCD). Also called: Methylmalonic aciduria with homocystinuria cblD type; METHYLMALONIC ACIDEMIA, cblH TYPE. Identifiers: Orphanet 622, Orphanet 79283, MedGen C1848552, MONDO:0010185, OMIM 277410.

Allele frequency attached by ClinVar (database versions not stated): gnomAD exomes below 0.00001; TOPMed 0.00002.
gnomAD v4.1: 2 of 1,613,916 alleles (0.00012%); highest among the groups gnomAD compares: African/African-American, 0.0027%; no homozygotes.

Submissions (3):

Labcorp Genetics (formerly Invitae), Labcorp
Classification: Likely pathogenic for Methylmalonic aciduria and homocystinuria type cblD. Last evaluated: 2023-10-13. Review status: criteria provided, single submitter. Criteria: Invitae Variant Classification Sherloc (09022015). Collection method: clinical testing. Allele origin: germline.
Comment: This sequence change affects a donor splice site in intron 2 of the MMADHC gene. It is expected to disrupt RNA splicing. Variants that disrupt the donor or acceptor splice site typically lead to a loss of protein function (PMID: 16199547), and loss-of-function variants in MMADHC are known to be pathogenic (PMID: 18385497). This variant is not present in population databases (gnomAD no frequency). This variant has not been reported in the literature in individuals affected with MMADHC-related conditions. ClinVar contains an entry for this variant (Variation ID: 2445824). Algorithms developed to predict the effect of sequence changes on RNA splicing suggest that this variant may disrupt the consensus splice site. In summary, the currently available evidence indicates that the variant is pathogenic, but additional data are needed to prove that conclusively. Therefore, this variant has been classified as Likely Pathogenic.

Baylor Genetics
Classification: Likely pathogenic for Methylmalonic aciduria and homocystinuria type cblD. Last evaluated: 2023-02-20. Review status: criteria provided, single submitter. Criteria: ACMG Guidelines, 2015. Collection method: clinical testing. Allele origin: unknown.

Women's Health and Genetics/Laboratory Corporation of America, LabCorp
Classification: Likely pathogenic for Cobalamin C disease. Last evaluated: 2023-02-13. Review status: criteria provided, single submitter. Criteria: LabCorp Variant Classification Summary - May 2015. Collection method: clinical testing. Allele origin: germline.
Comment: Variant summary: MMADHC c.9+1G>A is located in a canonical splice-site and is predicted to affect mRNA splicing resulting in a significantly altered protein due to either exon skipping, shortening, or inclusion of intronic material. Several computational tools predict a significant impact on normal splicing: Two predict the variant weakens a 5' donor site. However, these predictions have yet to be confirmed by functional studies. The variant was absent in 251384 control chromosomes. To our knowledge, no occurrence of c.9+1G>A in individuals affected with Methylmalonic Acidemia With Homocystinuria and no experimental evidence demonstrating its impact on protein function have been reported. No clinical diagnostic laboratories have submitted clinical-significance assessments for this variant to ClinVar after 2014. Based on the evidence outlined above, the variant was classified as likely pathogenic.

Literature cited by the submitters: PubMed 16199547 (cited by Labcorp Genetics (formerly Invitae), Labcorp); PubMed 18385497 (cited by Labcorp Genetics (formerly Invitae), Labcorp).

NM_015702.3(MMADHC):c.9+1G>A

Genes: MMADHC (metabolism of cobalamin associated D; minus strand), LOC126806368 (MED14-independent group 3 enhancer GRCh37_chr2:150443500-150444699; plus strand). Cytogenetic location: 2q23.2.
Variant type: single nucleotide variant.
Coding change: c.9+1G>A on transcript NM_015702.3 (MANE Select); the canonical splice donor site of the intron after coding-DNA position 9, G replaced by A.
Molecular consequence: splice donor variant.
Genome position (GRCh38, 1-based): chr2:149,587,088, C>T on the plus strand (G>A on the coding strand, the complement: MMADHC is on the minus strand). VCF-style: chr2-149587088-C-T. GRCh37 (hg19) VCF-style: chr2-150443602-C-T.
Identifiers: ClinVar variation 2445824 (VCV002445824.5), dbSNP rs1475458864, ClinGen allele CA348871275.